The following is an entry in ClinVar:

NM_001378902.1(ROS1):c.4665G>A (p.Val1555=)

Gene: ROS1 (ROS proto-oncogene 1, receptor tyrosine kinase; minus strand). Cytogenetic location: 6q22.1.
Variant type: single nucleotide variant.
Coding change: c.4665G>A on transcript NM_001378902.1 (MANE Select); coding-DNA position 4665, G replaced by A.
Protein change: p.Val1555=; no amino-acid change (valine 1555 retained).
Molecular consequence: synonymous variant.
Genome position (GRCh38, 1-based): chr6:117,341,619, C>T on the plus strand (G>A on the coding strand, the complement: ROS1 is on the minus strand). VCF-style: chr6-117341619-C-T. GRCh37 (hg19) VCF-style: chr6-117662782-C-T.
Other names: c.4671G>A, p.Val1557= (NM_001378891.1); c.4683G>A, p.Val1561= (NM_002944.3).
Identifiers: ClinVar variation 4085108 (VCV004085108.8).

ClinVar aggregate classification (germline): Likely benign (1 of 4 stars; one submission).

Submission:

CeGaT Center for Human Genetics Tuebingen
Classification: Likely benign. Last evaluated: 2025-06-01. Review status: criteria provided, single submitter. Criteria: CeGaT Center For Human Genetics Tuebingen Variant Classification Criteria Version 2. Collection method: clinical testing. Allele origin: germline. Affected: yes. Observed: 1 variant allele.
Comment: ROS1: PM2:Supporting, BP4, BP7